The following is an entry in ClinVar:

ClinVar aggregate classification (germline): Likely benign (1 of 4 stars; one submission).

gnomAD v4.1: 28 of 1,613,868 alleles (0.0017%); highest among the groups gnomAD compares: Admixed American, 0.013%; no homozygotes.

Submission:

CeGaT Center for Human Genetics Tuebingen
Classification: Likely benign. Last evaluated: 2026-08-01. Review status: criteria provided, single submitter. Criteria: CeGaT Center For Human Genetics Tuebingen Variant Classification Criteria Version 2. Collection method: clinical testing. Allele origin: germline. Affected: yes. Observed: 1 variant allele.
Comment: TPPP3: BP4, BP7

NM_015964.4(TPPP3):c.288C>T (p.Phe96=)

Gene: TPPP3 (tubulin polymerization promoting protein family member 3; minus strand). Cytogenetic location: 16q22.1.
Variant type: single nucleotide variant.
Coding change: c.288C>T on transcript NM_015964.4 (MANE Select); coding-DNA position 288, C replaced by T.
Protein change: p.Phe96=; no amino-acid change (phenylalanine 96 retained).
Molecular consequence: synonymous variant.
Genome position (GRCh38, 1-based): chr16:67,390,533, G>A on the plus strand (C>T on the coding strand, the complement: TPPP3 is on the minus strand). VCF-style: chr16-67390533-G-A. GRCh37 (hg19) VCF-style: chr16-67424436-G-A.
Other names: c.288C>T, p.Phe96= (NM_016140.4).
Identifiers: ClinVar variation 5039073 (VCV005039073.1).